The following is an entry in ClinVar:

ClinVar aggregate classification (germline): Likely benign. Review status: criteria provided, multiple submitters, no conflicts (2 of 4 stars). 5 submissions from 5 submitters: Likely benign (5). Last evaluated 2025-10-02.

Conditions:
Inborn genetic diseases. Identifiers: MedGen C0950123, MeSH D030342.
Developmental and epileptic encephalopathy, 27 (DEE27). Also called: GRIN2B-Related Neurodevelopmental Disorder; Epileptic encephalopathy, early infantile, 27. Identifiers: Orphanet 3451, MedGen C4015316, MONDO:0014505, OMIM 616139.
Intellectual developmental disorder, autosomal dominant 6, with or without seizures. Also called: GRIN2B-related developmental delay, intellectual disability and autism spectrum disorder; Intellectual disability, autosomal dominant 6. Identifiers: Orphanet 589547, MedGen C3151411, MONDO:0013509, OMIM 613970.

Allele frequency attached by ClinVar (database versions not stated): TOPMed 0.00006; ESP Exome Variant Server 0.00008; gnomAD exomes 0.00001; gnomAD 0.00003; ExAC 0.00001.
gnomAD v4.1: 40 of 1,612,714 alleles (0.0025%); highest among the groups gnomAD compares: Non-Finnish European, 0.0029%; no homozygotes.

Submissions (5):

Labcorp Genetics (formerly Invitae), Labcorp
Classification: Likely benign for Developmental and epileptic encephalopathy, 27; Intellectual developmental disorder, autosomal dominant 6, with or without seizures. Last evaluated: 2025-10-02. Review status: criteria provided, single submitter. Criteria: Invitae Variant Classification Sherloc (09022015). Collection method: clinical testing. Allele origin: germline.

Blueprint Genetics
Classification: Likely benign. Last evaluated: 2022-08-26. Review status: criteria provided, single submitter. Criteria: ACMG Guidelines, 2015. Collection method: clinical testing. Allele origin: germline.

CeGaT Center for Human Genetics Tuebingen
Classification: Likely benign. Last evaluated: 2020-04-01. Review status: criteria provided, single submitter. Criteria: CeGaT Center For Human Genetics Tuebingen Variant Classification Criteria Version 2. Collection method: clinical testing. Allele origin: germline. Affected: yes. Observed: 1 variant allele.

Ambry Genetics
Classification: Likely benign for Inborn genetic diseases. Last evaluated: 2017-06-09. Review status: criteria provided, single submitter. Criteria: Ambry Variant Classification Scheme 2023. Collection method: clinical testing. Allele origin: germline.

GeneDx
Classification: Likely benign. Last evaluated: 2017-02-16. Review status: criteria provided, single submitter. Criteria: GeneDx Variant Classification (06012015). Collection method: clinical testing. Allele origin: germline. Affected: yes.
Comment: This variant is considered likely benign or benign based on one or more of the following criteria: it is a conservative change, it occurs at a poorly conserved position in the protein, it is predicted to be benign by multiple in silico algorithms, and/or has population frequency not consistent with disease.

NM_000834.5(GRIN2B):c.51C>T (p.Ala17=)

Gene: GRIN2B (glutamate ionotropic receptor NMDA type subunit 2B; minus strand). Cytogenetic location: 12p13.1.
Variant type: single nucleotide variant.
Coding change: c.51C>T on transcript NM_000834.5 (MANE Select); coding-DNA position 51, C replaced by T.
Protein change: p.Ala17=; no amino-acid change (alanine 17 retained).
Molecular consequence: synonymous variant.
Genome position (GRCh38, 1-based): chr12:13,866,158, G>A on the plus strand (C>T on the coding strand, the complement: GRIN2B is on the minus strand). VCF-style: chr12-13866158-G-A. GRCh37 (hg19) VCF-style: chr12-14019092-G-A.
Identifiers: ClinVar variation 507344 (VCV000507344.50), dbSNP rs145404836, ClinGen allele CA6461469.